The following is an entry in ClinVar:

ClinVar aggregate classification (germline): Uncertain significance (1 of 4 stars; one submission).

Conditions:
Isolated microphthalmia 3 (MCOPS16). Also called: MICROPHTHALMIA, SYNDROMIC 16. Identifiers: Orphanet 2542, MedGen C5774181, MONDO:0012604, OMIM 611038.

Submission:

Laboratorio de Genetica e Diagnostico Molecular, Hospital Israelita Albert Einstein
Classification: Uncertain significance for Isolated microphthalmia 3. Last evaluated: 2022-12-16. Review status: criteria provided, single submitter. Criteria: ACMG Guidelines, 2015. Collection method: clinical testing. Allele origin: germline. Affected: yes. Observed: 1 variant allele.
Comment: ACMG classification criteria: PM2 supporting, PP3 supporting

NM_013435.3(RAX):c.544G>A (p.Val182Met)

Gene: RAX (retina and anterior neural fold homeobox; minus strand). Cytogenetic location: 18q21.32.
Variant type: single nucleotide variant.
Coding change: c.544G>A on transcript NM_013435.3 (MANE Select); coding-DNA position 544, G replaced by A.
Protein change: p.Val182Met; replaces valine 182 with methionine.
Molecular consequence: missense variant.
Genome position (GRCh38, 1-based): chr18:59,269,501, C>T on the plus strand (G>A on the coding strand, the complement: RAX is on the minus strand). VCF-style: chr18-59269501-C-T. GRCh37 (hg19) VCF-style: chr18-56936733-C-T.
Other names: short protein forms V182M.
Identifiers: ClinVar variation 2431587 (VCV002431587.1), dbSNP rs2511487267, ClinGen allele CA402585403.